The following is an entry in ClinVar:

ClinVar aggregate classification (germline): Likely benign. Review status: criteria provided, multiple submitters, no conflicts (2 of 4 stars). 2 submissions from 2 submitters: Likely benign (2). Last evaluated 2026-09-01.

Conditions:
Glycogen storage disease due to muscle and heart glycogen synthase deficiency. Also called: GSD 0b; MUSCLE GLYCOGEN SYNTHASE DEFICIENCY. Identifiers: Orphanet 137625, MedGen C1969054, MONDO:0012693, OMIM 611556.

gnomAD v4.1: 38 of 1,613,890 alleles (0.0024%); highest among the groups gnomAD compares: South Asian, 0.0077%; no homozygotes.

Submissions (2):

CeGaT Center for Human Genetics Tuebingen
Classification: Likely benign. Last evaluated: 2026-09-01. Review status: criteria provided, single submitter. Criteria: CeGaT Center For Human Genetics Tuebingen Variant Classification Criteria Version 2. Collection method: clinical testing. Allele origin: germline. Affected: yes. Observed: 1 variant allele.
Comment: GYS1: BP4, BP7

Labcorp Genetics (formerly Invitae), Labcorp
Classification: Likely benign for Glycogen storage disease due to muscle and heart glycogen synthase deficiency. Last evaluated: 2024-06-24. Review status: criteria provided, single submitter. Criteria: Invitae Variant Classification Sherloc (09022015). Collection method: clinical testing. Allele origin: germline.

NM_002103.5(GYS1):c.753C>T (p.Cys251=)

Gene: GYS1 (glycogen synthase 1; minus strand). Cytogenetic location: 19q13.33.
Variant type: single nucleotide variant.
Coding change: c.753C>T on transcript NM_002103.5 (MANE Select); coding-DNA position 753, C replaced by T.
Protein change: p.Cys251=; no amino-acid change (cysteine 251 retained).
Molecular consequence: synonymous variant. On other transcripts: non-coding transcript variant (1).
Genome position (GRCh38, 1-based): chr19:48,985,531, G>A on the plus strand (C>T on the coding strand, the complement: GYS1 is on the minus strand). VCF-style: chr19-48985531-G-A. GRCh37 (hg19) VCF-style: chr19-49488788-G-A.
Other names: c.561C>T, p.Cys187= (NM_001161587.2).
Identifiers: ClinVar variation 3704541 (VCV003704541.3).
Genomic context (GRCh38, chr19:48,985,531, plus strand): 5'-CTTGAGCAAGTGCTGTGCCTCGATGGCGGTGATCTGGGACACAGTAGTGAAGACGTGAGC[G>A]CAGTGGGCTGCCGCCCTTTCCATGCAGTATCGGTGGTAGATCTGCCTCTCCCCTGCTTCC-3'
Protein context (NP_002094.2, residues 241-261): RYCMERAAAH[Cys251=]AHVFTTVSQI